The following is an entry in ClinVar:

ClinVar aggregate classification (germline): Likely benign. Review status: criteria provided, multiple submitters, no conflicts (2 of 4 stars). 3 submissions from 3 submitters: Likely benign (2). 1 of the submissions does not count toward it. Last evaluated 2025-12-10.

Conditions:
ADAMTS18-related disorder. Also called: ADAMTS18-related condition.

Allele frequency attached by ClinVar (database versions not stated): ESP Exome Variant Server 0.00023; gnomAD 0.00027 and 0.00030; TOPMed 0.00029; gnomAD exomes 0.00002 and 0.00006; ExAC 0.00010.
gnomAD v4.1: 66 of 1,611,944 alleles (0.0041%); highest among the groups gnomAD compares: African/African-American, 0.077%; no homozygotes.

Submissions (3):

Labcorp Genetics (formerly Invitae), Labcorp
Classification: Likely benign. Last evaluated: 2025-12-10. Review status: criteria provided, single submitter. Criteria: Invitae Variant Classification Sherloc (09022015). Collection method: clinical testing. Allele origin: germline.

Blueprint Genetics
Classification: Likely benign. Last evaluated: 2022-11-17. Review status: criteria provided, single submitter. Criteria: ACMG Guidelines, 2015. Collection method: clinical testing. Allele origin: germline.

PreventionGenetics, part of Exact Sciences
Classification: Likely benign for ADAMTS18-related condition. Last evaluated: 2019-04-05. Review status: no assertion criteria provided. Collection method: clinical testing. Allele origin: germline. Not counted in ClinVar's aggregate classification.
Comment: This variant is classified as likely benign based on ACMG/AMP sequence variant interpretation guidelines (Richards et al. 2015 PMID: 25741868, with internal and published modifications).

NM_199355.4(ADAMTS18):c.1217-5A>G

Gene: ADAMTS18 (ADAM metallopeptidase with thrombospondin type 1 motif 18; minus strand). Cytogenetic location: 16q23.1.
Variant type: single nucleotide variant.
Coding change: c.1217-5A>G on transcript NM_199355.4 (MANE Select); 5 bases into the intron before coding-DNA position 1217, A replaced by G.
Molecular consequence: intron variant.
Genome position (GRCh38, 1-based): chr16:77,359,428, T>C on the plus strand (A>G on the coding strand, the complement: ADAMTS18 is on the minus strand). VCF-style: chr16-77359428-T-C. GRCh37 (hg19) VCF-style: chr16-77393325-T-C.
Other names: c.1217-5A>G (NM_199355.3); c.701-5A>G (NM_001326358.2).
Identifiers: ClinVar variation 1081858 (VCV001081858.12), dbSNP rs377447296, ClinGen allele CA8181385.